The following is an entry in ClinVar:

ClinVar aggregate classification (germline): Uncertain significance (1 of 4 stars; one submission).

Allele frequency attached by ClinVar (database versions not stated): ExAC 0.00001; gnomAD 0.00001; gnomAD exomes 0.00001; TOPMed 0.00001.
gnomAD v4.1: 11 of 1,613,232 alleles (0.00068%); highest among the groups gnomAD compares: Admixed American, 0.0033%; no homozygotes.

Submission:

Laboratorio de Genetica e Diagnostico Molecular, Hospital Israelita Albert Einstein
Classification: Uncertain significance. Last evaluated: 2020-04-17. Review status: criteria provided, single submitter. Criteria: ACMG Guidelines, 2015. Collection method: clinical testing. Allele origin: germline. Affected: yes.
Comment: ACMG classification criteria: PM2, BP4

NM_001003694.2(BRPF1):c.2762G>A (p.Arg921Gln)

Gene: BRPF1 (bromodomain and PHD finger containing 1; plus strand). Cytogenetic location: 3p25.3.
Variant type: single nucleotide variant.
Coding change: c.2762G>A on transcript NM_001003694.2 (MANE Select); coding-DNA position 2762, G replaced by A.
Protein change: p.Arg921Gln; replaces arginine 921 with glutamine.
Molecular consequence: missense variant. On other transcripts: non-coding transcript variant (1), intron variant (1).
Genome position (GRCh38, 1-based): chr3:9,744,350, G>A. VCF-style: chr3-9744350-G-A. GRCh37 (hg19) VCF-style: chr3-9786034-G-A.
Other names: c.2741G>A, p.Arg914Gln (NM_001319050.2); c.2744G>A, p.Arg915Gln (NM_004634.3); c.2617+449G>A (NM_001319049.2); short protein forms R914Q, R915Q, R921Q.
Identifiers: ClinVar variation 1690867 (VCV001690867.2), dbSNP rs759707755, ClinGen allele CA2242195.